The following is an entry in ClinVar:

ClinVar aggregate classification (germline): Uncertain significance (1 of 4 stars; one submission).

Conditions:
Hereditary cancer-predisposing syndrome. Also called: Neoplastic Syndromes, Hereditary; Tumor predisposition; Hereditary Cancer Syndrome; Hereditary neoplastic syndrome. Identifiers: Orphanet 140162, MedGen C0027672, MeSH D009386, MONDO:0015356.

Submission:

Color Diagnostics, LLC DBA Color Health
Classification: Uncertain significance for Hereditary cancer-predisposing syndrome. Last evaluated: 2023-10-02. Review status: criteria provided, single submitter. Criteria: ACMG Guidelines, 2015. Collection method: clinical testing. Allele origin: germline.
Comment: This missense variant replaces alanine with valine at codon 27 of the BRIP1 protein. Computational prediction suggests that this variant may not impact protein structure and function (internally defined REVEL score threshold <= 0.5, PMID: 27666373). To our knowledge, functional studies have not been reported for this variant. This variant has not been reported in individuals affected with BRIP1-related disorders in the literature. This variant has not been identified in the general population by the Genome Aggregation Database (gnomAD). The available evidence is insufficient to determine the role of this variant in disease conclusively. Therefore, this variant is classified as a Variant of Uncertain Significance.

NM_032043.3(BRIP1):c.80C>T (p.Ala27Val)

Gene: BRIP1 (BRCA1 interacting DNA helicase 1; minus strand). Cytogenetic location: 17q23.2.
Variant type: single nucleotide variant.
Coding change: c.80C>T on transcript NM_032043.3 (MANE Select); coding-DNA position 80, C replaced by T.
Protein change: p.Ala27Val; replaces alanine 27 with valine.
Molecular consequence: missense variant.
Genome position (GRCh38, 1-based): chr17:61,861,460, G>A on the plus strand (C>T on the coding strand, the complement: BRIP1 is on the minus strand). VCF-style: chr17-61861460-G-A. GRCh37 (hg19) VCF-style: chr17-59938821-G-A.
Other names: short protein forms A27V.
Identifiers: ClinVar variation 2775009 (VCV002775009.2), dbSNP rs2145863755, ClinGen allele CA400485924.
Genomic context (GRCh38, chr17:61,861,460, plus strand): 5'-TAAGTATCTATATCTTAATAAAAACTTAACTGCTGAAAAATACTTACAGAATTCATCATA[G>A]CAAGCTGTGACGGGTAAGCTTTATAAGGAAAGTAAATCTTCACCCCACCAATTGTATATT-3'
Protein context (NP_114432.2, residues 17-37): FPYKAYPSQL[Ala27Val]MMNSILRGLN